The following is an entry in ClinVar:

ClinVar aggregate classification (germline): Uncertain significance (1 of 4 stars; one submission).

Conditions:
Inborn genetic diseases. Identifiers: MedGen C0950123, MeSH D030342.

Allele frequency attached by ClinVar (database versions not stated): gnomAD exomes 0.00001; TOPMed 0.00001; ExAC 0.00002.
gnomAD v4.1: 7 of 1,574,786 alleles (0.00044%); highest among the groups gnomAD compares: Admixed American, 0.01%; no homozygotes.

Submission:

Ambry Genetics
Classification: Uncertain significance for Inborn genetic diseases. Last evaluated: 2021-05-18. Review status: criteria provided, single submitter. Criteria: Ambry Variant Classification Scheme 2023. Collection method: clinical testing. Allele origin: germline.
Comment: The c.1852C>T (p.H618Y) alteration is located in exon 14 (coding exon 13) of the CEP135 gene. This alteration results from a C to T substitution at nucleotide position 1852, causing the histidine (H) at amino acid position 618 to be replaced by a tyrosine (Y). The p.H618Y alteration is predicted to be tolerated by in silico analysis. Based on insufficient or conflicting evidence, the clinical significance of this alteration remains unclear.

NM_025009.5(CEP135):c.1852C>T (p.His618Tyr)

Gene: CEP135 (centrosomal protein 135; plus strand). Cytogenetic location: 4q12.
Variant type: single nucleotide variant.
Coding change: c.1852C>T on transcript NM_025009.5 (MANE Select); coding-DNA position 1852, C replaced by T.
Protein change: p.His618Tyr; replaces histidine 618 with tyrosine.
Molecular consequence: missense variant.
Genome position (GRCh38, 1-based): chr4:55,985,353, C>T. VCF-style: chr4-55985353-C-T. GRCh37 (hg19) VCF-style: chr4-56851519-C-T.
Other names: short protein forms H618Y.
Identifiers: ClinVar variation 2393786 (VCV002393786.2), dbSNP rs769458148, ClinGen allele CA2927982.